The following is an entry in ClinVar:

ClinVar aggregate classification (germline): Conflicting classifications of pathogenicity. Review status: criteria provided, conflicting classifications (1 of 4 stars). 2 submissions from 2 submitters: Uncertain significance (1); Likely benign (1). Last evaluated 2025-07-25.

Conditions:
Familial thoracic aortic aneurysm and aortic dissection (TAAD). Also called: Thoracic aortic aneurysms and dissections. Identifiers: Orphanet 91387, MedGen C4707243, MONDO:0019625.
Marfan syndrome (MFS). Also called: MARFAN SYNDROME, TYPE I; Marfan syndrome type 1; Marfan's syndrome; Marfan syndrome, classic; FBN1-Related Marfan Syndrome. Identifiers: Orphanet 284963, Orphanet 558, MedGen C0024796, MONDO:0007947, OMIM 154700.

gnomAD v4.1: 1 of 1,614,180 alleles (0.000062%); highest among the groups gnomAD compares: South Asian, 0.0011%; no homozygotes.

Submissions (2):

Color Diagnostics, LLC DBA Color Health
Classification: Uncertain significance for Familial thoracic aortic aneurysm and aortic dissection. Last evaluated: 2025-07-25. Review status: criteria provided, single submitter. Criteria: ACMG Guidelines, 2015. Collection method: clinical testing. Allele origin: germline.
Comment: This missense variant replaces isoleucine with threonine at codon 858 of the FBN1 protein. Computational prediction suggests that this variant may not impact protein structure and function. To our knowledge, functional studies have not been reported for this variant. This variant has not been reported in individuals affected with FBN1-related disorders in the literature. This variant has been identified in 1/251450 chromosomes in the general population by the Genome Aggregation Database (gnomAD). The available evidence is insufficient to determine the role of this variant in disease conclusively. Therefore, this variant is classified as a Variant of Uncertain Significance.

Labcorp Genetics (formerly Invitae), Labcorp
Classification: Likely benign for Marfan syndrome; Familial thoracic aortic aneurysm and aortic dissection. Last evaluated: 2024-02-02. Review status: criteria provided, single submitter. Criteria: Invitae Variant Classification Sherloc (09022015). Collection method: clinical testing. Allele origin: germline.

NM_000138.5(FBN1):c.2573T>C (p.Ile858Thr)

Gene: FBN1 (fibrillin 1; minus strand). Cytogenetic location: 15q21.1.
Variant type: single nucleotide variant.
Coding change: c.2573T>C on transcript NM_000138.5 (MANE Select); coding-DNA position 2573, T replaced by C.
Protein change: p.Ile858Thr; replaces isoleucine 858 with threonine.
Molecular consequence: missense variant.
Genome position (GRCh38, 1-based): chr15:48,495,227, A>G on the plus strand (T>C on the coding strand, the complement: FBN1 is on the minus strand). VCF-style: chr15-48495227-A-G. GRCh37 (hg19) VCF-style: chr15-48787424-A-G.
Other names: c.2573T>C, p.Ile858Thr (NM_001406716.1); short protein forms I858T.
Identifiers: ClinVar variation 3763945 (VCV003763945.3).
Genomic context (GRCh38, chr15:48,495,227, plus strand): 5'-GAGGAGCAGCACTGGGACTTTAAGGTGGCTCCATTGATGTTGATCTCACATCGCCCATCA[A>G]TGACAGTCTGCCAGCAAGTGCCCTTGATGGTTTCTGCAGAGGAGGGAATAATATTTAATA-3'
Protein context (NP_000129.3, residues 848-868): TIKGTCWQTV[Ile858Thr]DGRCEINING